The following is an entry in ClinVar:

NM_001080467.3(MYO5B):c.4969A>G (p.Ile1657Val)

Genes: MYO5B (myosin VB; minus strand), SNHG22 (small nucleolar RNA host gene 22; plus strand). Cytogenetic location: 18q21.1.
Variant type: single nucleotide variant.
Coding change: c.4969A>G on transcript NM_001080467.3 (MANE Select); coding-DNA position 4969, A replaced by G.
Protein change: p.Ile1657Val; replaces isoleucine 1657 with valine.
Molecular consequence: missense variant.
Genome position (GRCh38, 1-based): chr18:49,837,686, T>C on the plus strand (A>G on the coding strand, the complement: MYO5B is on the minus strand). VCF-style: chr18-49837686-T-C. GRCh37 (hg19) VCF-style: chr18-47364056-T-C.
Other names: c.4969A>G (NM_001080467.2); short protein forms I1657V.
Identifiers: ClinVar variation 1366188 (VCV001366188.8), dbSNP rs75537257, ClinGen allele CA8960178.
Genomic context (GRCh38, chr18:49,837,686, plus strand): 5'-TCTCAGGGTCCAAGCCCTGGTCACACATGACTGTATGAAAGGCATTCATCTGGCGGATGA[T>C]AGCTTCCAGGCAGTATGAGTTATCCCCATCTGCCATGCTGGAGGAGCGCTTCCGGTAGCC-3'
Protein context (NP_001073936.1, residues 1647-1667): DGDNSYCLEA[Ile1657Val]IRQMNAFHTV

ClinVar aggregate classification (germline): Uncertain significance. Review status: criteria provided, multiple submitters, no conflicts (2 of 4 stars). 2 submissions from 2 submitters: Uncertain significance (2). Last evaluated 2023-02-21.

Conditions:
MYO5B-related disorder. Also called: MYO5B-related condition.

Allele frequency attached by ClinVar (database versions not stated): ExAC 0.00001; gnomAD exomes 0.00001; TOPMed 0.00001; gnomAD 0.00002.
gnomAD v4.1: 12 of 1,614,026 alleles (0.00074%); highest among the groups gnomAD compares: African/African-American, 0.0013%; no homozygotes.

Submissions (2):

PreventionGenetics, part of Exact Sciences
Classification: Uncertain significance for MYO5B-related condition. Last evaluated: 2023-02-21. Review status: criteria provided, single submitter. Criteria: ACMG Guidelines, 2015. Collection method: clinical testing. Allele origin: germline.
Comment: The MYO5B c.4969A>G variant is predicted to result in the amino acid substitution p.Ile1657Val. To our knowledge, this variant has not been reported in the literature. This variant is reported in 0.0028% of alleles in individuals of Latino descent in gnomAD. At this time, the clinical significance of this variant is uncertain due to the absence of conclusive functional and genetic evidence.

Labcorp Genetics (formerly Invitae), Labcorp
Classification: Uncertain significance. Last evaluated: 2021-07-06. Review status: criteria provided, single submitter. Criteria: Invitae Variant Classification Sherloc (09022015). Collection method: clinical testing. Allele origin: germline.
Comment: In summary, the available evidence is currently insufficient to determine the role of this variant in disease. Therefore, it has been classified as a Variant of Uncertain Significance. Algorithms developed to predict the effect of missense changes on protein structure and function output the following: SIFT: "Tolerated"; PolyPhen-2: "Benign"; Align-GVGD: "Class C0". The valine amino acid residue is found in multiple mammalian species, which suggests that this missense change does not adversely affect protein function. This variant has not been reported in the literature in individuals affected with MYO5B-related conditions. This variant is present in population databases (rs75537257, ExAC 0.001%). This sequence change replaces isoleucine with valine at codon 1657 of the MYO5B protein (p.Ile1657Val). The isoleucine residue is moderately conserved and there is a small physicochemical difference between isoleucine and valine.